The following is an entry in ClinVar:

ClinVar aggregate classification (germline): Uncertain significance. Review status: criteria provided, multiple submitters, no conflicts (2 of 4 stars). 3 submissions from 3 submitters: Uncertain significance (3). Last evaluated 2025-12-16.

Conditions:
Hereditary cancer-predisposing syndrome. Also called: Tumor predisposition; Hereditary Cancer Syndrome; Hereditary neoplastic syndrome; Neoplastic Syndromes, Hereditary. Identifiers: Orphanet 140162, MedGen C0027672, MeSH D009386, MONDO:0015356.
POLD1-related polyposis and colorectal cancer syndrome (CRCS10). Also called: Colorectal cancer, susceptibility to, 10; Colorectal cancer 10; COLORECTAL CANCER, SUSCEPTIBILITY TO, ON CHROMOSOME 19q. Identifiers: Orphanet 220460, MedGen C2675481, MONDO:0012953, OMIM 612591.

Submissions (3):

Ambry Genetics
Classification: Uncertain significance for Hereditary cancer-predisposing syndrome. Last evaluated: 2025-12-16. Review status: criteria provided, single submitter. Criteria: Ambry Variant Classification Scheme 2023. Collection method: clinical testing. Allele origin: germline.
Comment: The p.L852F variant (also known as c.2554C>T), located in coding exon 19 of the POLD1 gene, results from a C to T substitution at nucleotide position 2554. The leucine at codon 852 is replaced by phenylalanine, an amino acid with highly similar properties. This amino acid position is conserved. In addition, this alteration is predicted to be tolerated by in silico analysis. Since supporting evidence is limited at this time, the clinical significance of this alteration remains unclear.

Center for Genomic Medicine, Rigshospitalet, Copenhagen University Hospital
Classification: Uncertain significance. Last evaluated: 2025-03-04. Review status: criteria provided, single submitter. Criteria: ACMG Guidelines, 2015. Collection method: clinical testing. Allele origin: germline.

Labcorp Genetics (formerly Invitae), Labcorp
Classification: Uncertain significance for POLD1-related polyposis and colorectal cancer syndrome. Last evaluated: 2022-04-07. Review status: criteria provided, single submitter. Criteria: Invitae Variant Classification Sherloc (09022015). Collection method: clinical testing. Allele origin: germline.
Comment: In summary, the available evidence is currently insufficient to determine the role of this variant in disease. Therefore, it has been classified as a Variant of Uncertain Significance. Algorithms developed to predict the effect of missense changes on protein structure and function are either unavailable or do not agree on the potential impact of this missense change (SIFT: "Deleterious"; PolyPhen-2: "Probably Damaging"; Align-GVGD: "Class C0"). This variant has not been reported in the literature in individuals affected with POLD1-related conditions. This variant is not present in population databases (gnomAD no frequency). This sequence change replaces leucine, which is neutral and non-polar, with phenylalanine, which is neutral and non-polar, at codon 852 of the POLD1 protein (p.Leu852Phe).

NM_002691.4(POLD1):c.2554C>T (p.Leu852Phe)

Gene: POLD1 (DNA polymerase delta 1, catalytic subunit; plus strand). Cytogenetic location: 19q13.33.
Variant type: single nucleotide variant.
Coding change: c.2554C>T on transcript NM_002691.4 (MANE Select); coding-DNA position 2554, C replaced by T.
Protein change: p.Leu852Phe; replaces leucine 852 with phenylalanine.
Molecular consequence: missense variant. On other transcripts: non-coding transcript variant (1).
Genome position (GRCh38, 1-based): chr19:50,414,980, C>T. VCF-style: chr19-50414980-C-T. GRCh37 (hg19) VCF-style: chr19-50918237-C-T.
Other names: c.2632C>T, p.Leu878Phe (NM_001308632.1); c.2554C>T, p.Leu852Phe (NM_001256849.1); short protein forms L852F, L878F.
Identifiers: ClinVar variation 1379478 (VCV001379478.15), dbSNP rs2122467940, ClinGen allele CA406985234.
Genomic context (GRCh38, chr19:50,414,980, plus strand): 5'-GTGCGCAGGGACAACTGCCCCCTCGTGGCCAACCTGGTCACTGCCTCACTGCGCCGCCTG[C>T]TCATCGACCGGTGTGTGGGGCCTCCTCCCTCAGACTCAGGGGGCTGGGCCCCAAACCCCT-3'
Protein context (NP_002682.2, residues 842-862): NLVTASLRRL[Leu852Phe]IDRDPEGAVA